The following is an entry in ClinVar:

ClinVar aggregate classification (germline): Likely benign. Review status: criteria provided, multiple submitters, no conflicts (2 of 4 stars). 2 submissions from 2 submitters: Likely benign (2). Last evaluated 2025-08-25.

Conditions:
NTRK2-related disorder. Also called: NTRK2-related condition.

Allele frequency attached by ClinVar (database versions not stated): gnomAD exomes below 0.00001 and 0.00002; ExAC 0.00002; gnomAD 0.00003; TOPMed 0.00003; ESP Exome Variant Server 0.00008.
gnomAD v4.1: 10 of 1,614,066 alleles (0.00062%); highest among the groups gnomAD compares: African/African-American, 0.0093%; no homozygotes.

Submissions (2):

Labcorp Genetics (formerly Invitae), Labcorp
Classification: Likely benign. Last evaluated: 2025-08-25. Review status: criteria provided, single submitter. Criteria: Invitae Variant Classification Sherloc (09022015). Collection method: clinical testing. Allele origin: germline.

PreventionGenetics, part of Exact Sciences
Classification: Likely benign for NTRK2-related condition. Last evaluated: 2025-07-28. Review status: criteria provided, single submitter. Criteria: ACMG Guidelines, 2015. Collection method: clinical testing. Allele origin: germline.
Comment: This variant is classified as likely benign based on ACMG/AMP sequence variant interpretation guidelines (Richards et al. 2015 PMID: 25741868, with internal and published modifications).

NM_006180.6(NTRK2):c.2451G>A (p.Lys817=)

Gene: NTRK2 (neurotrophic receptor tyrosine kinase 2; plus strand). Cytogenetic location: 9q21.33.
Variant type: single nucleotide variant.
Coding change: c.2451G>A on transcript NM_006180.6 (MANE Select); coding-DNA position 2451, G replaced by A.
Protein change: p.Lys817=; no amino-acid change (lysine 817 retained).
Molecular consequence: synonymous variant.
Genome position (GRCh38, 1-based): chr9:85,021,371, G>A. VCF-style: chr9-85021371-G-A. GRCh37 (hg19) VCF-style: chr9-87636286-G-A.
Other names: c.2403G>A, p.Lys801= (NM_001018064.3, NM_001369532.1, NM_001369533.1); c.2367G>A, p.Lys789= (NM_001369534.1); c.1935G>A, p.Lys645= (NM_001369535.1); c.1983G>A, p.Lys661= (NM_001369536.1); c.2451G>A (NM_006180.4).
Identifiers: ClinVar variation 1647286 (VCV001647286.9), dbSNP rs373361858, ClinGen allele CA5105996.